The following is an entry in ClinVar:

NM_052874.5(STX1B):c.848G>A (p.Gly283Glu)

Gene: STX1B (syntaxin 1B; minus strand). Cytogenetic location: 16p11.2.
Variant type: single nucleotide variant.
Coding change: c.848G>A on transcript NM_052874.5 (MANE Select); coding-DNA position 848, G replaced by A.
Protein change: p.Gly283Glu; replaces glycine 283 with glutamic acid.
Molecular consequence: missense variant.
Genome position (GRCh38, 1-based): chr16:30,992,840, C>T on the plus strand (G>A on the coding strand, the complement: STX1B is on the minus strand). VCF-style: chr16-30992840-C-T. GRCh37 (hg19) VCF-style: chr16-31004161-C-T.
Other names: short protein forms G283E.
Identifiers: ClinVar variation 4996042 (VCV004996042.1).

ClinVar aggregate classification (germline): Uncertain significance (1 of 4 stars; one submission).

Conditions:
STX1B-related disorder. Also called: STX1B-related condition.

Submission:

PreventionGenetics, part of Exact Sciences
Classification: Uncertain significance for STX1B-related condition. Last evaluated: 2026-07-27. Review status: criteria provided, single submitter. Criteria: ACMG Guidelines, 2015. Collection method: clinical testing. Allele origin: germline.
Comment: The STX1B c.848G>A variant is predicted to result in the amino acid substitution p.Gly283Glu. To our knowledge, this variant has not been reported in the literature or in a large population database (gnomAD), indicating this variant is rare. This variant is located near the end of the terminal exon, calling its clinical significance into question. At this time, the clinical significance of this variant is uncertain due to the absence of conclusive functional and genetic evidence.